The following is an entry in ClinVar:

ClinVar aggregate classification (germline): Uncertain significance. Review status: criteria provided, multiple submitters, no conflicts (2 of 4 stars). 2 submissions from 2 submitters: Uncertain significance (2). Last evaluated 2025-04-28.

Conditions:
Erythrocytosis, familial, 3 (ECYT3). Identifiers: Orphanet 247511, MedGen C1853286, MONDO:0012353, OMIM 609820.

gnomAD v4.1: 1 of 1,614,216 alleles (0.000062%); highest among the groups gnomAD compares: Non-Finnish European, 0.000085%; no homozygotes.

Submissions (2):

Labcorp Genetics (formerly Invitae), Labcorp
Classification: Uncertain significance for Erythrocytosis, familial, 3. Last evaluated: 2025-04-28. Review status: criteria provided, single submitter. Criteria: Invitae Variant Classification Sherloc (09022015). Collection method: clinical testing. Allele origin: germline.
Comment: This sequence change replaces serine, which is neutral and polar, with asparagine, which is neutral and polar, at codon 245 of the EGLN1 protein (p.Ser245Asn). This variant is not present in population databases (gnomAD no frequency). This variant has not been reported in the literature in individuals affected with EGLN1-related conditions. ClinVar contains an entry for this variant (Variation ID: 1758446). An algorithm developed to predict the effect of missense changes on protein structure and function (PolyPhen-2) suggests that this variant is likely to be tolerated. In summary, the available evidence is currently insufficient to determine the role of this variant in disease. Therefore, it has been classified as a Variant of Uncertain Significance.

Ambry Genetics
Classification: Uncertain significance. Last evaluated: 2024-11-25. Review status: criteria provided, single submitter. Criteria: Ambry Variant Classification Scheme 2023. Collection method: clinical testing. Allele origin: germline.
Comment: The p.S245N variant (also known as c.734G>A), located in coding exon 1 of the EGLN1 gene, results from a G to A substitution at nucleotide position 734. The serine at codon 245 is replaced by asparagine, an amino acid with highly similar properties. This amino acid position is conserved. In addition, this alteration is predicted to be tolerated by in silico analysis. Since supporting evidence is limited at this time, the clinical significance of this alteration remains unclear.

NM_022051.3(EGLN1):c.734G>A (p.Ser245Asn)

Gene: EGLN1 (egl-9 family hypoxia inducible factor 1; minus strand). Cytogenetic location: 1q42.2.
Variant type: single nucleotide variant.
Coding change: c.734G>A on transcript NM_022051.3 (MANE Select); coding-DNA position 734, G replaced by A.
Protein change: p.Ser245Asn; replaces serine 245 with asparagine.
Molecular consequence: missense variant.
Genome position (GRCh38, 1-based): chr1:231,421,155, C>T on the plus strand (G>A on the coding strand, the complement: EGLN1 is on the minus strand). VCF-style: chr1-231421155-C-T. GRCh37 (hg19) VCF-style: chr1-231556901-C-T.
Other names: c.734G>A, p.Ser245Asn (NM_001377260.1, NM_001377261.1); short protein forms S245N.
Identifiers: ClinVar variation 1758446 (VCV001758446.6), dbSNP rs2527358782, ClinGen allele CA345235539.